The following is an entry in ClinVar:

NM_052844.4(DYNC2I2):c.629C>T (p.Pro210Leu)

Gene: DYNC2I2 (dynein 2 intermediate chain 2; minus strand). Cytogenetic location: 9q34.11.
Variant type: single nucleotide variant.
Coding change: c.629C>T on transcript NM_052844.4 (MANE Select); coding-DNA position 629, C replaced by T.
Protein change: p.Pro210Leu; replaces proline 210 with leucine.
Molecular consequence: missense variant.
Genome position (GRCh38, 1-based): chr9:128,636,355, G>A on the plus strand (C>T on the coding strand, the complement: DYNC2I2 is on the minus strand). VCF-style: chr9-128636355-G-A. GRCh37 (hg19) VCF-style: chr9-131398634-G-A.
Other names: short protein forms P210L.
Identifiers: ClinVar variation 1681236 (VCV001681236.6), dbSNP rs780689247, ClinGen allele CA5266542.
Genomic context (GRCh38, chr9:128,636,355, plus strand): 5'-GGCTGCGTGGGGTGGAAGGCCAGACACAGGACAGCGCTGGGGACCTCCACCACGGCCGAC[G>A]GCTGCTGGGGACGCAGGTCTCGCCGGTCCAGGTTCCAGGCACACACGAAGGACTTAAGCG-3'
Protein context (NP_443076.2, residues 200-220): LDRRDLRPQQ[Pro210Leu]SAVVEVPSAV

ClinVar aggregate classification (germline): Uncertain significance (1 of 4 stars; one submission).

Conditions:
Short-rib thoracic dysplasia 11 with or without polydactyly (SRTD11). Also called: SHORT-RIB THORACIC DYSPLASIA 11 WITHOUT POLYDACTYLY. Identifiers: Orphanet 474, Orphanet 93271, MedGen C3810200, MONDO:0014287, OMIM 615633.

Allele frequency attached by ClinVar (database versions not stated): ExAC 0.00001.
gnomAD v4.1: 24 of 1,608,162 alleles (0.0015%); highest among the groups gnomAD compares: African/African-American, 0.0053%; no homozygotes.

Submission:

Labcorp Genetics (formerly Invitae), Labcorp
Classification: Uncertain significance for Short-rib thoracic dysplasia 11 with or without polydactyly. Last evaluated: 2023-08-04. Review status: criteria provided, single submitter. Criteria: Invitae Variant Classification Sherloc (09022015). Collection method: clinical testing. Allele origin: germline.
Comment: This variant has not been reported in the literature in individuals affected with WDR34-related conditions. The frequency data for this variant in the population databases is considered unreliable, as metrics indicate poor data quality at this position in the gnomAD database. This sequence change replaces proline, which is neutral and non-polar, with leucine, which is neutral and non-polar, at codon 210 of the WDR34 protein (p.Pro210Leu). ClinVar contains an entry for this variant (Variation ID: 1681236). In summary, the available evidence is currently insufficient to determine the role of this variant in disease. Therefore, it has been classified as a Variant of Uncertain Significance. An algorithm developed to predict the effect of missense changes on protein structure and function (PolyPhen-2) suggests that this variant is likely to be disruptive.